The following is an entry in ClinVar:

NM_032043.3(BRIP1):c.2937A>G (p.Lys979=)

Gene: BRIP1 (BRCA1 interacting DNA helicase 1; minus strand). Cytogenetic location: 17q23.2.
Variant type: single nucleotide variant.
Coding change: c.2937A>G on transcript NM_032043.3 (MANE Select); coding-DNA position 2937, A replaced by G.
Protein change: p.Lys979=; no amino-acid change (lysine 979 retained).
Molecular consequence: synonymous variant.
Genome position (GRCh38, 1-based): chr17:61,684,109, T>C on the plus strand (A>G on the coding strand, the complement: BRIP1 is on the minus strand). VCF-style: chr17-61684109-T-C. GRCh37 (hg19) VCF-style: chr17-59761470-T-C.
Other names: p.K979K:AAA>AAG.
Identifiers: ClinVar variation 136579 (VCV000136579.82), dbSNP rs75091137, ClinGen allele CA289742.

ClinVar aggregate classification (germline): Benign/Likely benign. Review status: criteria provided, multiple submitters, no conflicts (2 of 4 stars). 20 submissions from 19 submitters: Benign (10); Likely benign (6). 4 of the submissions do not count toward it. Last evaluated 2026-02-01.

Conditions:
Breast and/or ovarian cancer. Identifiers: MedGen CN221562.
Hereditary cancer-predisposing syndrome. Also called: Tumor predisposition; Hereditary neoplastic syndrome; Hereditary Cancer Syndrome; Neoplastic Syndromes, Hereditary. Identifiers: Orphanet 140162, MedGen C0027672, MeSH D009386, MONDO:0015356.
Familial cancer of breast. Also called: Hereditary breast cancer; hereditary breast carcinoma; BREAST CANCER, FAMILIAL. Identifiers: Orphanet 227535, MedGen C0346153, MONDO:0016419, OMIM 114480. Disease mechanism: loss of function.
Fanconi anemia complementation group J. Also called: BRIP1-Related Fanconi Anemia. Identifiers: Orphanet 84, MedGen C1836860, MONDO:0012187, OMIM 609054.
Ovarian cancer. Also called: OVARIAN CANCER, SOMATIC. Identifiers: Orphanet 213500, MedGen C1140680, MONDO:0008170, OMIM 167000.
Malignant tumor of breast. Also called: Cancer breast; Malignant breast neoplasm. Identifiers: MedGen C0006142, MONDO:0007254. Disease mechanism: loss of function.

Allele frequency attached by ClinVar (database versions not stated): gnomAD exomes 0.00015 and 0.00051; ExAC 0.00065; gnomAD 0.00187 and 0.00194; TOPMed 0.00215; ESP Exome Variant Server 0.00231; 1000 Genomes Project 0.00260; 1000 Genomes Project 30x 0.00265.
gnomAD v4.1: 530 of 1,613,658 alleles (0.033%); highest among the groups gnomAD compares: African/African-American, 0.61%; 2 homozygotes.

Submissions (20):

Labcorp Genetics (formerly Invitae), Labcorp
Classification: Benign for Familial cancer of breast; Fanconi anemia complementation group J. Last evaluated: 2026-02-01. Review status: criteria provided, single submitter. Criteria: Invitae Variant Classification Sherloc (09022015). Collection method: clinical testing. Allele origin: germline.

Blueprint Genetics
Classification: Likely benign. Last evaluated: 2024-08-30. Review status: criteria provided, single submitter. Criteria: ACMG Guidelines, 2015. Collection method: clinical testing. Allele origin: germline.

KCCC/NGS Laboratory, Kuwait Cancer Control Center
Classification: Benign for Familial cancer of breast. Last evaluated: 2023-07-07. Review status: criteria provided, single submitter. Criteria: ACMG Guidelines, 2015. Collection method: clinical testing. Allele origin: germline. Affected: yes.

CHEO Genetics Diagnostic Laboratory, Children's Hospital of Eastern Ontario
Classification: Likely benign for Breast and/or ovarian cancer. Last evaluated: 2023-06-09. Review status: criteria provided, single submitter. Criteria: ACMG Guidelines, 2015. Collection method: clinical testing. Allele origin: germline.

Myriad Genetics, Inc.
Classification: Benign for Familial cancer of breast. Last evaluated: 2023-03-01. Review status: criteria provided, single submitter. Criteria: Myriad Autosomal Dominant, Autosomal Recessive and X-Linked Classification Criteria (2023). Collection method: clinical testing. Allele origin: unknown.
Comment: This variant is considered benign. This variant is a silent/synonymous amino acid change and it is not expected to impact splicing.

Quest Diagnostics Nichols Institute San Juan Capistrano
Classification: Benign. Last evaluated: 2022-03-01. Review status: criteria provided, single submitter. Criteria: Quest Diagnostics criteria. Collection method: clinical testing. Allele origin: unknown.

Sema4
Classification: Benign for Hereditary cancer-predisposing syndrome. Last evaluated: 2020-11-26. Review status: criteria provided, single submitter. Criteria: Sema4 Curation Guidelines. Collection method: curation. Allele origin: germline.

CeGaT Center for Human Genetics Tuebingen
Classification: Likely benign. Last evaluated: 2019-01-01. Review status: criteria provided, single submitter. Criteria: CeGaT Center For Human Genetics Tuebingen Variant Classification Criteria Version 2. Collection method: clinical testing. Allele origin: germline. Affected: yes. Observed: 1 variant allele.

Eurofins Ntd Llc (ga)
Classification: Likely benign. Last evaluated: 2018-03-12. Review status: criteria provided, single submitter. Criteria: EGL ClinVar v180209 classification definitions. Collection method: clinical testing. Allele origin: germline. Observed: 1 variant allele, 1 heterozygote.

Genetic Services Laboratory, University of Chicago
Classification: Likely benign. Last evaluated: 2017-02-20. Review status: criteria provided, single submitter. Criteria: ACMG Guidelines, 2015. Collection method: clinical testing. Allele origin: germline. Affected: no.

PreventionGenetics, part of Exact Sciences
Classification: Benign. Last evaluated: 2017-01-17. Review status: criteria provided, single submitter. Criteria: ACMG Guidelines, 2015. Collection method: clinical testing. Allele origin: germline.

ARUP Laboratories, Molecular Genetics and Genomics, ARUP Laboratories
Classification: Benign. Last evaluated: 2016-12-04. Review status: criteria provided, single submitter. Criteria: ARUP Molecular Germline Variant Investigation Process. Collection method: clinical testing. Allele origin: germline.

Women's Health and Genetics/Laboratory Corporation of America, LabCorp
Classification: Benign. Last evaluated: 2016-06-27. Review status: criteria provided, single submitter. Criteria: LabCorp Variant Classification Summary - May 2015. Collection method: clinical testing. Allele origin: germline.
Comment: Variant summary: The BRIP1 c.2937A>G (p.Lys979Lys) variant causes a synonymous change involving a non-conserved nucleotide with 4/5 splice prediction tools predicting no significant impact on splicing and no alteration to ESE binding, although these predictions have yet to be functionally assessed. The variant of interest was observed in the large, broad control population, ExAC, with an allele frequency of 79/121074 (1 homozygote, 1/1532), predominantly in the African cohort, 75/10358 (1 homozygote, 1/138), which significantly exceeds the estimated maximal expected allele frequency for a pathogenic BRIP1 variant of 1/16000 (0.0000625). Therefore, suggesting the variant is a common polymorphism found in population(s) of African origin. The variant of interest, to our knowledge, has not been reported in affected individuals via publications. However, multiple reputable databases/clinical laboratories cite the variant as "likely benign/benign." Therefore, taking all available lines of evidence into consideration, the variant of interest has been classified as Benign.

Color Diagnostics, LLC DBA Color Health
Classification: Benign for Hereditary cancer-predisposing syndrome. Last evaluated: 2015-10-01. Review status: criteria provided, single submitter. Criteria: ACMG Guidelines, 2015. Collection method: clinical testing. Allele origin: germline.

Ambry Genetics
Classification: Likely benign for Hereditary cancer-predisposing syndrome. Last evaluated: 2014-08-06. Review status: criteria provided, single submitter. Criteria: Ambry Variant Classification Scheme 2023. Collection method: clinical testing. Allele origin: germline.

GeneDx
Classification: Benign. Last evaluated: 2014-01-29. Review status: criteria provided, single submitter. Criteria: GeneDx Variant Classification (06012015). Collection method: clinical testing. Allele origin: germline. Affected: yes.
Comment: This variant is considered likely benign or benign based on one or more of the following criteria: it is a conservative change, it occurs at a poorly conserved position in the protein, it is predicted to be benign by multiple in silico algorithms, and/or has population frequency not consistent with disease.

Institute for Biomarker Research, Medical Diagnostic Laboratories, L.L.C.
Classification: Benign for Hereditary cancer-predisposing syndrome. Last evaluated: 2022-01-20. Review status: no assertion criteria provided. Collection method: clinical testing. Allele origin: germline. Not counted in ClinVar's aggregate classification.

Counsyl
Classification: Likely benign for Fanconi anemia complementation group J. Last evaluated: 2016-06-08. Review status: no assertion criteria provided. Collection method: clinical testing. Allele origin: unknown. Not counted in ClinVar's aggregate classification.

Counsyl
Classification: Likely benign for Ovarian cancer. Last evaluated: 2016-06-08. Review status: no assertion criteria provided. Collection method: clinical testing. Allele origin: unknown. Not counted in ClinVar's aggregate classification.

Department of Pathology and Laboratory Medicine, Sinai Health System
Classification: Likely benign for Malignant tumor of breast. Review status: no assertion criteria provided. Collection method: clinical testing. Allele origin: unknown. Affected: yes. Study: The Canadian Open Genetics Repository (COGR). Not counted in ClinVar's aggregate classification.
Comment: The BRIP1 p.Lys979= variant was not identified in the literature nor was it identified in the ClinVar, Cosmic, MutDB, or Zhejiang Colon Cancer Database. The variant was identified in dbSNP (ID: rs75091137) as â€šÃ„ÃºWith other alleleâ€šÃ„Ã¹. The variant was identified in control databases in 171 of 276636 chromosomes (1 homozygous) at a frequency of 0.000618 increasing the likelihood this could be a low frequency benign variant (Genome Aggregation Database Feb 27, 2017). Breakdown of the observations by population include African in 162 (1 homozygous) of 24016 chromosomes (freq: 0.006746), Latino in 8 of 34326 chromosomes (freq: 0.000233), and South Asian in 1 of 30568 chromosomes (freq: 0.000033), while the variant was not observed in the Other, European (Non-Finnish), Ashkenazi Jewish, East Asian, European (Finnish) populations. The p.Lys979= variant is not expected to have clinical significance because it does not result in a change of amino acid and is not located in a known consensus splice site. In addition, in silico or computational prediction software programs (SpliceSiteFinder, MaxEntScan, NNSPLICE, GeneSplicer, HumanSpliceFinder) do not predict a difference in splicing. In summary, based on the above information the clinical significance of this variant cannot be determined with certainty at this time although we would lean towards a more benign role for this variant. This variant is classified as likely benign.